The following is an entry in ClinVar:

ClinVar aggregate classification (germline): Uncertain significance. Review status: criteria provided, multiple submitters, no conflicts (2 of 4 stars). 3 submissions from 3 submitters: Uncertain significance (3). Last evaluated 2024-10-07.

Conditions:
IMAGe syndrome. Also called: Intrauterine Growth Restriction, Metaphyseal Dysplasia, Adrenal Hypoplasia Congenita, and Genital Anomalies; Intrauterine growth retardation, metaphyseal dysplasia, adrenal hypoplasia congenita, and genital anomalies. Identifiers: Orphanet 85173, MedGen C1846009, MONDO:0013873, OMIM 614732.
Beckwith-Wiedemann syndrome (BWS). Also called: EMG SYNDROME; Exomphalos macroglossia gigantism syndrome. Identifiers: Orphanet 116, MedGen C0004903, MONDO:0007534, OMIM 130650.

Submissions (3):

Labcorp Genetics (formerly Invitae), Labcorp
Classification: Uncertain significance for Beckwith-Wiedemann syndrome. Last evaluated: 2024-10-07. Review status: criteria provided, single submitter. Criteria: Invitae Variant Classification Sherloc (09022015). Collection method: clinical testing. Allele origin: germline.
Comment: This sequence change replaces proline, which is neutral and non-polar, with arginine, which is basic and polar, at codon 148 of the CDKN1C protein (p.Pro148Arg). This variant is not present in population databases (gnomAD no frequency). This variant has not been reported in the literature in individuals affected with CDKN1C-related conditions. ClinVar contains an entry for this variant (Variation ID: 2201987). Experimental studies and prediction algorithms are not available or were not evaluated, and the functional significance of this variant is currently unknown. In summary, the available evidence is currently insufficient to determine the role of this variant in disease. Therefore, it has been classified as a Variant of Uncertain Significance.

Fulgent Genetics
Classification: Uncertain significance for Beckwith-Wiedemann syndrome; IMAGe syndrome. Last evaluated: 2024-02-28. Review status: criteria provided, single submitter. Criteria: ACMG Guidelines, 2015. Collection method: clinical testing. Allele origin: germline.

Baylor Genetics
Classification: Uncertain significance for Beckwith-Wiedemann syndrome. Last evaluated: 2023-08-02. Review status: criteria provided, single submitter. Criteria: ACMG Guidelines, 2015. Collection method: clinical testing. Allele origin: unknown.

NM_001122630.2(CDKN1C):c.410C>G (p.Pro137Arg)

Gene: CDKN1C (cyclin dependent kinase inhibitor 1C; minus strand). Cytogenetic location: 11p15.4.
Variant type: single nucleotide variant.
Coding change: c.410C>G on transcript NM_001122630.2 (MANE Select); coding-DNA position 410, C replaced by G.
Protein change: p.Pro137Arg; replaces proline 137 with arginine.
Molecular consequence: missense variant. On other transcripts: intron variant (1).
Genome position (GRCh38, 1-based): chr11:2,885,047, G>C on the plus strand (C>G on the coding strand, the complement: CDKN1C is on the minus strand). VCF-style: chr11-2885047-G-C. GRCh37 (hg19) VCF-style: chr11-2906277-G-C.
Other names: c.443C>G, p.Pro148Arg (NM_000076.2, NM_001362474.2); c.410C>G, p.Pro137Arg (NM_001122631.2); c.255+155C>G (NM_001362475.2); short protein forms P148R, P137R.
Identifiers: ClinVar variation 2201987 (VCV002201987.6), dbSNP rs754671425, ClinGen allele CA379146685.